The following is an entry in ClinVar:

ClinVar aggregate classification (germline): Uncertain significance (1 of 4 stars; one submission).

Conditions:
Hereditary cancer-predisposing syndrome. Also called: Hereditary Cancer Syndrome; Hereditary neoplastic syndrome; Neoplastic Syndromes, Hereditary; Tumor predisposition. Identifiers: Orphanet 140162, MedGen C0027672, MeSH D009386, MONDO:0015356.

Submission:

Ambry Genetics
Classification: Uncertain significance for Hereditary cancer-predisposing syndrome. Last evaluated: 2023-04-19. Review status: criteria provided, single submitter. Criteria: Ambry Variant Classification Scheme 2023. Collection method: clinical testing. Allele origin: germline.
Comment: The p.T309A variant (also known as c.925A>G), located in coding exon 8 of the BMPR1A gene, results from an A to G substitution at nucleotide position 925. The threonine at codon 309 is replaced by alanine, an amino acid with similar properties. This amino acid position is highly conserved in available vertebrate species. In addition, this alteration is predicted to be deleterious by in silico analysis. Since supporting evidence is limited at this time, the clinical significance of this alteration remains unclear.

NM_004329.3(BMPR1A):c.925A>G (p.Thr309Ala)

Gene: BMPR1A (bone morphogenetic protein receptor type 1A; plus strand). Cytogenetic location: 10q23.2.
Variant type: single nucleotide variant.
Coding change: c.925A>G on transcript NM_004329.3 (MANE Select); coding-DNA position 925, A replaced by G.
Protein change: p.Thr309Ala; replaces threonine 309 with alanine.
Molecular consequence: missense variant.
Genome position (GRCh38, 1-based): chr10:86,919,228, A>G. VCF-style: chr10-86919228-A-G. GRCh37 (hg19) VCF-style: chr10-88678985-A-G.
Other names: c.925A>G, p.Thr309Ala (NM_001406581.1, NM_001406582.1, NM_001406580.1 and 19 more transcripts); c.841A>G, p.Thr281Ala (NM_001406584.1, NM_001406585.1, NM_001406586.1 and 2 more transcripts); c.919A>G, p.Thr307Ala (NM_001406583.1); c.583A>G, p.Thr195Ala (NM_001406589.1); c.1000A>G, p.Thr334Ala (NM_001406559.1); c.973A>G, p.Thr325Ala (NM_001406560.1); short protein forms T281A, T309A, T325A, T334A, T195A, T307A.
Identifiers: ClinVar variation 1766355 (VCV001766355.3), dbSNP rs2539618333, ClinGen allele CA377460049.